The following is an entry in ClinVar:

ClinVar aggregate classification (germline): Uncertain significance (1 of 4 stars; one submission).

Submission:

Women's Health and Genetics/Laboratory Corporation of America, LabCorp
Classification: Uncertain significance. Last evaluated: 2025-03-25. Review status: criteria provided, single submitter. Criteria: LabCorp Variant Classification Summary - May 2015. Collection method: clinical testing. Allele origin: germline.
Comment: Variant summary: COL4A3 c.1723G>A (p.Gly575Arg) results in a non-conservative amino acid change in the encoded protein sequence. Five of five in-silico tools predict a damaging effect of the variant on protein function. The variant was absent in 249352 control chromosomes. The available data on variant occurrences in the general population are insufficient to allow any conclusion about variant significance. To our knowledge, no occurrence of c.1723G>A in individuals affected with Alport Syndrome, Autosomal Recessive and no experimental evidence demonstrating its impact on protein function have been reported. No submitters have cited clinical-significance assessments for this variant to ClinVar. Based on the evidence outlined above, the variant was classified as uncertain significance.

NM_000091.5(COL4A3):c.1723G>A (p.Gly575Arg)

Genes: COL4A3 (collagen type IV alpha 3 chain; plus strand), MFF-DT (MFF divergent transcript; minus strand). Cytogenetic location: 2q36.3.
Variant type: single nucleotide variant.
Coding change: c.1723G>A on transcript NM_000091.5 (MANE Select); coding-DNA position 1723, G replaced by A.
Protein change: p.Gly575Arg; replaces glycine 575 with arginine.
Molecular consequence: missense variant.
Genome position (GRCh38, 1-based): chr2:227,270,917, G>A. VCF-style: chr2-227270917-G-A. GRCh37 (hg19) VCF-style: chr2-228135633-G-A.
Other names: short protein forms G575R.
Identifiers: ClinVar variation 3895950 (VCV003895950.1).